The following is an entry in ClinVar:

NM_001146227.3(RPS20):c.*4C>T

Gene: RPS20 (ribosomal protein S20; minus strand). Cytogenetic location: 8q12.1.
Variant type: single nucleotide variant.
Coding change: c.*4C>T on transcript NM_001146227.3; 4 bases downstream of the stop codon, C replaced by T.
Molecular consequence: 3 prime UTR variant.
Genome position (GRCh38, 1-based): chr8:56,069,734, G>A on the plus strand (C>T on the coding strand, the complement: RPS20 is on the minus strand). VCF-style: chr8-56069734-G-A. GRCh37 (hg19) VCF-style: chr8-56982293-G-A.
Identifiers: ClinVar variation 5042408 (VCV005042408.1).

ClinVar aggregate classification (germline): Benign (1 of 4 stars; one submission).

Conditions:
Familial colorectal cancer type X. Identifiers: Orphanet 440437, MedGen C3896578, MONDO:0018604.

gnomAD v4.1: 5 of 1,551,360 alleles (0.00032%); highest among the groups gnomAD compares: Non-Finnish European, 0.00044%; no homozygotes.

Submission:

Myriad Genetics, Inc.
Classification: Benign for Familial colorectal cancer type X. Last evaluated: 2026-08-05. Review status: criteria provided, single submitter. Criteria: Myriad Autosomal Dominant, Autosomal Recessive and X-Linked Classification Criteria (2023). Collection method: clinical testing. Allele origin: unknown.
Comment: This variant is considered benign. This variant occurs in the non-coding 3' untranslated region of the gene, and is not expected to impact protein function.